The following is an entry in ClinVar:

ClinVar aggregate classification (germline): Likely benign. Review status: criteria provided, multiple submitters, no conflicts (2 of 4 stars). 2 submissions from 2 submitters: Likely benign (2). Last evaluated 2023-03-23.

Conditions:
Hereditary cancer-predisposing syndrome. Also called: Hereditary Cancer Syndrome; Neoplastic Syndromes, Hereditary; Tumor predisposition; Hereditary neoplastic syndrome. Identifiers: Orphanet 140162, MedGen C0027672, MeSH D009386, MONDO:0015356.

Submissions (2):

University of Washington Department of Laboratory Medicine, University of Washington
Classification: Likely benign for Hereditary cancer-predisposing syndrome. Last evaluated: 2023-03-23. Review status: criteria provided, single submitter. Criteria: Dines et al. (Genet Med. 2020). Collection method: curation. Allele origin: germline.
Comment: Missense variant in a coldspot region where missense variants are very unlikely to be pathogenic (PMID:31911673).

BRCA2 exon 11 coldspot. Reclassification based on statistical prior probability.

Ambry Genetics
Classification: Likely benign for Hereditary cancer-predisposing syndrome. Last evaluated: 2022-08-31. Review status: criteria provided, single submitter. Criteria: Ambry Variant Classification Scheme 2023. Collection method: clinical testing. Allele origin: germline.

NM_000059.4(BRCA2):c.4809C>A (p.Asn1603Lys)

Gene: BRCA2 (BRCA2 DNA repair associated; plus strand). Cytogenetic location: 13q13.1.
Variant type: single nucleotide variant.
Coding change: c.4809C>A on transcript NM_000059.4 (MANE Select); coding-DNA position 4809, C replaced by A.
Protein change: p.Asn1603Lys; replaces asparagine 1603 with lysine.
Molecular consequence: missense variant.
Genome position (GRCh38, 1-based): chr13:32,339,164, C>A. VCF-style: chr13-32339164-C-A. GRCh37 (hg19) VCF-style: chr13-32913301-C-A.
Other names: c.4809C>A, p.Asn1603Lys (NM_001406719.1, NM_001406720.1); short protein forms N1603K.
Identifiers: ClinVar variation 1743239 (VCV001743239.4), dbSNP rs2072513261, ClinGen allele CA387783276.